The following is an entry in ClinVar:

ClinVar aggregate classification (germline): Uncertain significance (1 of 4 stars; one submission).

Conditions:
ALG1-congenital disorder of glycosylation. Also called: CONGENITAL DISORDER OF GLYCOSYLATION, TYPE Ik; CDG Ik; ALG1-CDG. Identifiers: Orphanet 79327, MedGen C2931005, MONDO:0012052, OMIM 608540.

Submission:

Labcorp Genetics (formerly Invitae), Labcorp
Classification: Uncertain significance for ALG1-congenital disorder of glycosylation. Last evaluated: 2025-02-15. Review status: criteria provided, single submitter. Criteria: Invitae Variant Classification Sherloc (09022015). Collection method: clinical testing. Allele origin: germline.
Comment: This sequence change replaces serine, which is neutral and polar, with cysteine, which is neutral and slightly polar, at codon 242 of the ALG1 protein (p.Ser242Cys). This variant is not present in population databases (gnomAD no frequency). This variant has not been reported in the literature in individuals affected with ALG1-related conditions. Invitae Evidence Modeling of protein sequence and biophysical properties (such as structural, functional, and spatial information, amino acid conservation, physicochemical variation, residue mobility, and thermodynamic stability) indicates that this missense variant is not expected to disrupt ALG1 protein function with a negative predictive value of 80%. In summary, the available evidence is currently insufficient to determine the role of this variant in disease. Therefore, it has been classified as a Variant of Uncertain Significance.

NM_019109.5(ALG1):c.725C>G (p.Ser242Cys)

Gene: ALG1 (ALG1 chitobiosyldiphosphodolichol beta-mannosyltransferase; plus strand). Cytogenetic location: 16p13.3.
Variant type: single nucleotide variant.
Coding change: c.725C>G on transcript NM_019109.5 (MANE Select); coding-DNA position 725, C replaced by G.
Protein change: p.Ser242Cys; replaces serine 242 with cysteine.
Molecular consequence: missense variant.
Genome position (GRCh38, 1-based): chr16:5,078,002, C>G. VCF-style: chr16-5078002-C-G. GRCh37 (hg19) VCF-style: chr16-5128003-C-G.
Other names: c.392C>G, p.Ser131Cys (NM_001330504.2); c.725C>G, p.Ser242Cys (NM_001438123.1); short protein forms S131C, S242C.
Identifiers: ClinVar variation 4810706 (VCV004810706.1).